The following is an entry in ClinVar:

NM_001378418.1(TCF20):c.407T>C (p.Val136Ala)

Gene: TCF20 (transcription factor 20; minus strand). Cytogenetic location: 22q13.2.
Variant type: single nucleotide variant.
Coding change: c.407T>C on transcript NM_001378418.1 (MANE Select); coding-DNA position 407, T replaced by C.
Protein change: p.Val136Ala; replaces valine 136 with alanine.
Molecular consequence: missense variant.
Genome position (GRCh38, 1-based): chr22:42,214,899, A>G on the plus strand (T>C on the coding strand, the complement: TCF20 is on the minus strand). VCF-style: chr22-42214899-A-G. GRCh37 (hg19) VCF-style: chr22-42610905-A-G.
Other names: c.407T>C (NM_005650.1); c.407T>C, p.Val136Ala (NM_005650.4, NM_181492.3); short protein forms V136A.
Identifiers: ClinVar variation 1927485 (VCV001927485.6), dbSNP rs2518245768, ClinGen allele CA411793075.
Genomic context (GRCh38, chr22:42,214,899, plus strand): 5'-TAATCCTGCTGATAATGTGACACACCGCCAAGGCCAGAGTGCTGTGCTTGAAACTGGCCC[A>G]CATGACCCTCACTCCCATACTGATTGCCAAAGCTGCTCCCCTGGGGGGGTCCATAGCTCT-3'
Protein context (NP_001365347.1, residues 126-146): FGNQYGSEGH[Val136Ala]GQFQAQHSGL

ClinVar aggregate classification (germline): Uncertain significance. Review status: criteria provided, multiple submitters, no conflicts (2 of 4 stars). 2 submissions from 2 submitters: Uncertain significance (2). Last evaluated 2026-04-15.

Conditions:
Inborn genetic diseases. Identifiers: MedGen C0950123, MeSH D030342.

Allele frequency attached by ClinVar (database versions not stated): gnomAD exomes below 0.00001.

Submissions (2):

Ambry Genetics
Classification: Uncertain significance for Inborn genetic diseases. Last evaluated: 2026-04-15. Review status: criteria provided, single submitter. Criteria: Ambry Variant Classification Scheme 2023. Collection method: clinical testing. Allele origin: germline.

Labcorp Genetics (formerly Invitae), Labcorp
Classification: Uncertain significance. Last evaluated: 2023-06-09. Review status: criteria provided, single submitter. Criteria: Invitae Variant Classification Sherloc (09022015). Collection method: clinical testing. Allele origin: germline.
Comment: In summary, the available evidence is currently insufficient to determine the role of this variant in disease. Therefore, it has been classified as a Variant of Uncertain Significance. An algorithm developed to predict the effect of missense changes on protein structure and function (PolyPhen-2) suggests that this variant is likely to be disruptive. ClinVar contains an entry for this variant (Variation ID: 1927485). This variant has not been reported in the literature in individuals affected with TCF20-related conditions. This variant is not present in population databases (gnomAD no frequency). This sequence change replaces valine, which is neutral and non-polar, with alanine, which is neutral and non-polar, at codon 136 of the TCF20 protein (p.Val136Ala).